The following is an entry in ClinVar:

ClinVar aggregate classification (germline): Pathogenic (1 of 4 stars; one submission).

Submission:

Labcorp Genetics (formerly Invitae), Labcorp
Classification: Pathogenic. Last evaluated: 2022-06-17. Review status: criteria provided, single submitter. Criteria: Invitae Variant Classification Sherloc (09022015). Collection method: clinical testing. Allele origin: germline.
Comment: For these reasons, this variant has been classified as Pathogenic. This variant has not been reported in the literature in individuals affected with XPC-related conditions. This variant is not present in population databases (gnomAD no frequency). This sequence change creates a premature translational stop signal (p.Glu185Glyfs*3) in the XPC gene. It is expected to result in an absent or disrupted protein product. Loss-of-function variants in XPC are known to be pathogenic (PMID: 23173980, 25256075).

Literature cited by the submitters: PubMed 23173980; PubMed 25256075.

NM_004628.5(XPC):c.553dup (p.Glu185fs)

Gene: XPC (XPC complex subunit, DNA damage recognition and repair factor; minus strand). Cytogenetic location: 3p25.1.
Variant type: Duplication.
Coding change: c.553dup on transcript NM_004628.5 (MANE Select); coding-DNA position 553, one base duplicated (G; older notation c.553dupG).
Protein change: p.Glu185fs; shifts the reading frame from glutamic acid 185.
Molecular consequence: frameshift variant. On other transcripts: 5 prime UTR variant (1), non-coding transcript variant (2).
Genome position (GRCh38, 1-based): chr3:14,167,237, C duplicated on the plus strand (G on the coding strand, the reverse complement: XPC is on the minus strand); the first of 2 consecutive C bases (chr3:14,167,237-14,167,238); duplicating either gives the same sequence. VCF-style (leftmost placement, unchanged base first): chr3-14167236-T-TC. GRCh37 (hg19) VCF-style: chr3-14208736-T-TC.
Other names: c.-27dup (NM_001354726.2); c.553dup, p.Glu185fs (NM_001354727.2, NM_001354730.2); c.535dup, p.Glu179fs (NM_001354729.2); short protein forms E179fs, E185fs.
Identifiers: ClinVar variation 2007576 (VCV002007576.4), dbSNP rs1696420304, ClinGen allele CA1045276631.